The following is an entry in ClinVar:

NM_007366.5(PLA2R1):c.1110G>A (p.Ala370=)

Gene: PLA2R1 (phospholipase A2 receptor 1; minus strand). Cytogenetic location: 2q24.2.
Variant type: single nucleotide variant.
Coding change: c.1110G>A on transcript NM_007366.5 (MANE Select); coding-DNA position 1110, G replaced by A.
Protein change: p.Ala370=; no amino-acid change (alanine 370 retained).
Molecular consequence: synonymous variant.
Genome position (GRCh38, 1-based): chr2:160,022,849, C>T on the plus strand (G>A on the coding strand, the complement: PLA2R1 is on the minus strand). VCF-style: chr2-160022849-C-T. GRCh37 (hg19) VCF-style: chr2-160879360-C-T.
Other names: c.1110G>A, p.Ala370= (NM_001007267.3, NM_001195641.2).
Identifiers: ClinVar variation 2651463 (VCV002651463.24), dbSNP rs140155678, ClinGen allele CA1928590.

ClinVar aggregate classification (germline): Likely benign (1 of 4 stars; one submission).

Allele frequency attached by ClinVar (database versions not stated): gnomAD 0.00172; TOPMed 0.00193; ESP Exome Variant Server 0.00200; 1000 Genomes Project 30x 0.00203; 1000 Genomes Project 0.00220.
gnomAD v4.1: 1,991 of 1,588,862 alleles (0.13%); highest among the groups gnomAD compares: Middle Eastern, 4%; 12 homozygotes.

Submission:

CeGaT Center for Human Genetics Tuebingen
Classification: Likely benign. Last evaluated: 2022-07-01. Review status: criteria provided, single submitter. Criteria: CeGaT Center For Human Genetics Tuebingen Variant Classification Criteria Version 2. Collection method: clinical testing. Allele origin: germline. Affected: yes. Observed: 1 variant allele.
Comment: PLA2R1: BP4, BP7